The following is an entry in ClinVar:

ClinVar aggregate classification (germline): Likely benign. Review status: criteria provided, multiple submitters, no conflicts (2 of 4 stars). 3 submissions from 3 submitters: Likely benign (2). 1 of the submissions does not count toward it. Last evaluated 2025-08-04.

Conditions:
TMTC3-related disorder. Also called: TMTC3-related condition.

Allele frequency attached by ClinVar (database versions not stated): ESP Exome Variant Server 0.00123; 1000 Genomes Project 0.00080; gnomAD 0.00099; ExAC 0.00030; 1000 Genomes Project 30x 0.00078; TOPMed 0.00118.
gnomAD v4.1: 276 of 1,613,108 alleles (0.017%); highest among the groups gnomAD compares: African/African-American, 0.34%; 1 homozygote.

Submissions (3):

Labcorp Genetics (formerly Invitae), Labcorp
Classification: Likely benign. Last evaluated: 2025-08-04. Review status: criteria provided, single submitter. Criteria: Invitae Variant Classification Sherloc (09022015). Collection method: clinical testing. Allele origin: germline.

Breakthrough Genomics
Classification: Likely benign. Review status: criteria provided, single submitter. Criteria: ACMG Guidelines, 2015. Collection method: not provided. Allele origin: germline. Inheritance: Autosomal recessive inheritance. Affected: yes.

PreventionGenetics, part of Exact Sciences
Classification: Likely benign for TMTC3-related condition. Last evaluated: 2022-02-01. Review status: no assertion criteria provided. Collection method: clinical testing. Allele origin: germline. Not counted in ClinVar's aggregate classification.
Comment: This variant is classified as likely benign based on ACMG/AMP sequence variant interpretation guidelines (Richards et al. 2015 PMID: 25741868, with internal and published modifications).

NM_181783.4(TMTC3):c.2552G>A (p.Gly851Asp)

Gene: TMTC3 (transmembrane O-mannosyltransferase targeting cadherins 3; plus strand). Cytogenetic location: 12q21.32.
Variant type: single nucleotide variant.
Coding change: c.2552G>A on transcript NM_181783.4 (MANE Select); coding-DNA position 2552, G replaced by A.
Protein change: p.Gly851Asp; replaces glycine 851 with aspartic acid.
Molecular consequence: missense variant. On other transcripts: non-coding transcript variant (1).
Genome position (GRCh38, 1-based): chr12:88,195,456, G>A. VCF-style: chr12-88195456-G-A. GRCh37 (hg19) VCF-style: chr12-88589233-G-A.
Other names: c.2372G>A, p.Gly791Asp (NM_001366574.1); c.2333G>A, p.Gly778Asp (NM_001366579.1); c.2285G>A, p.Gly762Asp (NM_001366580.1); c.1859G>A, p.Gly620Asp (NM_001366583.1); short protein forms G778D, G791D, G620D, G762D, G851D.
Identifiers: ClinVar variation 788437 (VCV000788437.12), dbSNP rs138778751, ClinGen allele CA6713494.